The following is an entry in ClinVar:

ClinVar aggregate classification (germline): Uncertain significance (1 of 4 stars; one submission).

Submission:

Laboratorio de Genetica e Diagnostico Molecular, Hospital Israelita Albert Einstein
Classification: Uncertain significance. Last evaluated: 2019-10-31. Review status: criteria provided, single submitter. Criteria: ACMG Guidelines, 2015. Collection method: clinical testing. Allele origin: germline. Affected: yes.
Comment: ACMG classification criteria: PM2

NM_006662.3(SRCAP):c.5551C>G (p.Leu1851Val)

Gene: SRCAP (Snf2 related CREBBP activator protein; plus strand). Cytogenetic location: 16p11.2.
Variant type: single nucleotide variant.
Coding change: c.5551C>G on transcript NM_006662.3 (MANE Select); coding-DNA position 5551, C replaced by G.
Protein change: p.Leu1851Val; replaces leucine 1851 with valine.
Molecular consequence: missense variant.
Genome position (GRCh38, 1-based): chr16:30,724,975, C>G. VCF-style: chr16-30724975-C-G. GRCh37 (hg19) VCF-style: chr16-30736296-C-G.
Other names: short protein forms L1851V.
Identifiers: ClinVar variation 1690726 (VCV001690726.2), dbSNP rs1244421171, ClinGen allele CA395618921.